The following is an entry in ClinVar:

NM_020987.5(ANK3):c.10645C>T (p.Arg3549Ter)

Gene: ANK3 (ankyrin 3; minus strand). Cytogenetic location: 10q21.2.
Variant type: single nucleotide variant.
Coding change: c.10645C>T on transcript NM_020987.5 (MANE Select); coding-DNA position 10645, C replaced by T.
Protein change: p.Arg3549Ter; replaces arginine 3549 with a stop codon.
Molecular consequence: nonsense. On other transcripts: intron variant (4).
Genome position (GRCh38, 1-based): chr10:60,070,236, G>A on the plus strand (C>T on the coding strand, the complement: ANK3 is on the minus strand). VCF-style: chr10-60070236-G-A. GRCh37 (hg19) VCF-style: chr10-61829994-G-A.
Other names: c.4388-2227C>T (NM_001204403.2); c.4409-2227C>T (NM_001204404.2); c.4406-2227C>T (NM_001320874.2); c.1808-2227C>T (NM_001149.4); short protein forms R3549*.
Identifiers: ClinVar variation 3390421 (VCV003390421.2).

ClinVar aggregate classification (germline): Likely pathogenic (1 of 4 stars; one submission).

Submission:

GeneDx
Classification: Likely pathogenic. Last evaluated: 2025-11-03. Review status: criteria provided, single submitter. Criteria: GeneDx Variant Classification Process June 2021. Collection method: clinical testing. Allele origin: germline.
Comment: Nonsense variant predicted to result in protein truncation or nonsense mediated decay in a gene for which loss of function is a known mechanism of disease; Not observed at significant frequency in large population cohorts (gnomAD); Has not been previously published as pathogenic or benign to our knowledge